The following is an entry in ClinVar:

NM_001904.4(CTNNB1):c.820C>T (p.Arg274Cys)

Gene: CTNNB1 (catenin beta 1; plus strand). Cytogenetic location: 3p22.1.
Variant type: single nucleotide variant.
Coding change: c.820C>T on transcript NM_001904.4 (MANE Select); coding-DNA position 820, C replaced by T.
Protein change: p.Arg274Cys; replaces arginine 274 with cysteine.
Molecular consequence: missense variant.
Genome position (GRCh38, 1-based): chr3:41,225,745, C>T. VCF-style: chr3-41225745-C-T. GRCh37 (hg19) VCF-style: chr3-41267236-C-T.
Other names: c.820C>T, p.Arg274Cys (NM_001098209.2, NM_001098210.2); c.799C>T, p.Arg267Cys (NM_001330729.2); short protein forms R267C, R274C.
Identifiers: ClinVar variation 3684276 (VCV003684276.2).

ClinVar aggregate classification (germline): Uncertain significance (1 of 4 stars; one submission).

gnomAD v4.1: 5 of 1,614,030 alleles (0.00031%); highest among the groups gnomAD compares: East Asian, 0.0067%; no homozygotes.

Submission:

Labcorp Genetics (formerly Invitae), Labcorp
Classification: Uncertain significance. Last evaluated: 2024-04-10. Review status: criteria provided, single submitter. Criteria: Invitae Variant Classification Sherloc (09022015). Collection method: clinical testing. Allele origin: germline.
Comment: This sequence change replaces arginine, which is basic and polar, with cysteine, which is neutral and slightly polar, at codon 274 of the CTNNB1 protein (p.Arg274Cys). This variant is present in population databases (no rsID available, gnomAD 0.006%). This variant has not been reported in the literature in individuals affected with CTNNB1-related conditions. Advanced modeling of protein sequence and biophysical properties (such as structural, functional, and spatial information, amino acid conservation, physicochemical variation, residue mobility, and thermodynamic stability) performed at Invitae indicates that this missense variant is expected to disrupt CTNNB1 protein function with a positive predictive value of 80%. In summary, the available evidence is currently insufficient to determine the role of this variant in disease. Therefore, it has been classified as a Variant of Uncertain Significance.